The following is an entry in ClinVar:

NM_032977.4(CASP10):c.554T>C (p.Ile185Thr)

Gene: CASP10 (caspase 10; plus strand). Cytogenetic location: 2q33.1.
Variant type: single nucleotide variant.
Coding change: c.554T>C on transcript NM_032977.4 (MANE Select); coding-DNA position 554, T replaced by C.
Protein change: p.Ile185Thr; replaces isoleucine 185 with threonine.
Molecular consequence: missense variant.
Genome position (GRCh38, 1-based): chr2:201,193,096, T>C. VCF-style: chr2-201193096-T-C. GRCh37 (hg19) VCF-style: chr2-202057819-T-C.
Other names: c.554T>C, p.Ile185Thr (NM_001206524.2, NM_001206542.2, NM_001230.5 and 3 more transcripts); short protein forms I185T.
Identifiers: ClinVar variation 948684 (VCV000948684.12), dbSNP rs753049035, ClinGen allele CA350279085.

ClinVar aggregate classification (germline): Uncertain significance (1 of 4 stars; one submission).

Conditions:
Autoimmune lymphoproliferative syndrome type 2A (ALPS2A). Also called: CASP10-Related Autoimmune Lymphoproliferative Syndrome; AUTOIMMUNE LYMPHOPROLIFERATIVE SYNDROME, TYPE IIA; Autoimmune lymphoproliferative syndrome type 2. Identifiers: Orphanet 3261, MedGen C1858968, MONDO:0011383, OMIM 603909.

gnomAD v4.1: 1 of 1,613,774 alleles (0.000062%); highest among the groups gnomAD compares: Admixed American, 0.0017%; no homozygotes.

Submission:

Labcorp Genetics (formerly Invitae), Labcorp
Classification: Uncertain significance for Autoimmune lymphoproliferative syndrome type 2A. Last evaluated: 2019-05-01. Review status: criteria provided, single submitter. Criteria: Invitae Variant Classification Sherloc (09022015). Collection method: clinical testing. Allele origin: germline.
Comment: This variant has not been reported in the literature in individuals with CASP10-related conditions. Algorithms developed to predict the effect of missense changes on protein structure and function are either unavailable or do not agree on the potential impact of this missense change (SIFT: "Deleterious"; PolyPhen-2: "Probably Damaging"; Align-GVGD: "Class C0"). In summary, the available evidence is currently insufficient to determine the role of this variant in disease. Therefore, it has been classified as a Variant of Uncertain Significance. This variant is not present in population databases (ExAC no frequency). This sequence change replaces isoleucine with threonine at codon 185 of the CASP10 protein (p.Ile185Thr). The isoleucine residue is weakly conserved and there is a moderate physicochemical difference between isoleucine and threonine.